The following is an entry in ClinVar:

NM_000289.6(PFKM):c.936+1G>A

Gene: PFKM (phosphofructokinase, muscle; plus strand). Cytogenetic location: 12q13.11.
Variant type: single nucleotide variant.
Coding change: c.936+1G>A on transcript NM_000289.6 (MANE Select); the canonical splice donor site of the intron after coding-DNA position 936, G replaced by A.
Molecular consequence: splice donor variant. On other transcripts: intron variant (1).
Genome position (GRCh38, 1-based): chr12:48,135,384, G>A. VCF-style: chr12-48135384-G-A. GRCh37 (hg19) VCF-style: chr12-48529167-G-A.
Other names: c.960+1G>A (NM_001354741.2); c.936+1G>A (NM_001354742.2, NM_001354743.2, NM_001354744.2 and 3 more transcripts); c.786+1G>A (NM_001354747.2, NM_001354748.2); c.1149+1G>A (NM_001166686.2, NM_001354737.1, NM_001354739.1 and 1 more transcripts); c.1245+1G>A (NM_001354736.1, NM_001354735.1); c.1080+1G>A (NM_001354740.1); c.849+1G>A (NM_001354745.2); c.843+346G>A (NM_001363619.2).
Identifiers: ClinVar variation 945094 (VCV000945094.10), dbSNP rs1949974650, ClinGen allele CA384545981.

ClinVar aggregate classification (germline): Likely pathogenic. Review status: criteria provided, multiple submitters, no conflicts (2 of 4 stars). 2 submissions from 2 submitters: Likely pathogenic (2). Last evaluated 2025-05-07.

Conditions:
Glycogen storage disease, type VII (GSD7). Also called: MUSCLE PHOSPHOFRUCTOKINASE DEFICIENCY; PFKM DEFICIENCY; TARUI DISEASE; GSD VII. Identifiers: Orphanet 371, MedGen C0017926, MONDO:0009295, OMIM 232800.
PFKM-related disorder. Also called: PFKM-related condition.

Allele frequency attached by ClinVar (database versions not stated): gnomAD exomes below 0.00001; gnomAD 0.00001.
gnomAD v4.1: 2 of 1,608,490 alleles (0.00012%); highest among the groups gnomAD compares: Admixed American, 0.0017%; no homozygotes.

Submissions (2):

PreventionGenetics, part of Exact Sciences
Classification: Likely pathogenic for PFKM-related condition. Last evaluated: 2025-05-07. Review status: criteria provided, single submitter. Criteria: ACMG Guidelines, 2015. Collection method: clinical testing. Allele origin: germline.
Comment: The PFKM c.936+1G>A variant is predicted to disrupt the GT donor site and interfere with normal splicing. To our knowledge, this variant has not been reported in the literature. This variant is absent in a large population database (gnomAD), indicating this variant is rare. Variants that disrupt the consensus splice donor site in PFKM are expected to be pathogenic. This variant is interpreted as likely pathogenic.

Labcorp Genetics (formerly Invitae), Labcorp
Classification: Likely pathogenic for Glycogen storage disease, type VII. Last evaluated: 2024-04-25. Review status: criteria provided, single submitter. Criteria: Invitae Variant Classification Sherloc (09022015). Collection method: clinical testing. Allele origin: germline.
Comment: This sequence change affects a donor splice site in intron 10 of the PFKM gene. It is expected to disrupt RNA splicing. Variants that disrupt the donor or acceptor splice site typically lead to a loss of protein function (PMID: 16199547), and loss-of-function variants in PFKM are known to be pathogenic (PMID: 7825568, 8037209). This variant is not present in population databases (gnomAD no frequency). This variant has not been reported in the literature in individuals affected with PFKM-related conditions. ClinVar contains an entry for this variant (Variation ID: 945094). Algorithms developed to predict the effect of sequence changes on RNA splicing suggest that this variant may disrupt the consensus splice site. In summary, the currently available evidence indicates that the variant is pathogenic, but additional data are needed to prove that conclusively. Therefore, this variant has been classified as Likely Pathogenic.

Literature cited by the submitters: PubMed 16199547 (cited by Labcorp Genetics (formerly Invitae), Labcorp); PubMed 7825568 (cited by Labcorp Genetics (formerly Invitae), Labcorp); PubMed 8037209 (cited by Labcorp Genetics (formerly Invitae), Labcorp).